The following is an entry in ClinVar:

NM_177438.3(DICER1):c.4217G>T (p.Cys1406Phe)

Gene: DICER1 (dicer 1, ribonuclease III; minus strand). Cytogenetic location: 14q32.13.
Variant type: single nucleotide variant.
Coding change: c.4217G>T on transcript NM_177438.3 (MANE Select); coding-DNA position 4217, G replaced by T.
Protein change: p.Cys1406Phe; replaces cysteine 1406 with phenylalanine.
Molecular consequence: missense variant.
Genome position (GRCh38, 1-based): chr14:95,096,703, C>A on the plus strand (G>T on the coding strand, the complement: DICER1 is on the minus strand). VCF-style: chr14-95096703-C-A. GRCh37 (hg19) VCF-style: chr14-95563040-C-A.
Other names: c.4217G>T, p.Cys1406Phe (NM_001195573.1, NM_001271282.3, NM_001291628.2 and 1 more transcripts); short protein forms C1406F.
Identifiers: ClinVar variation 485530 (VCV000485530.18), dbSNP rs1295287147, ClinGen allele CA390869860.

ClinVar aggregate classification (germline): Uncertain significance. Review status: criteria provided, multiple submitters, no conflicts (2 of 4 stars). 3 submissions from 3 submitters: Uncertain significance (3). Last evaluated 2025-06-17.

Conditions:
DICER1-related tumor predisposition. Also called: DICER1-related pleuropulmonary blastoma cancer predisposition syndrome; DICER1 syndrome. Identifiers: Orphanet 284343, MedGen C3839822, MONDO:0100216.
Hereditary cancer-predisposing syndrome. Also called: Hereditary neoplastic syndrome; Neoplastic Syndromes, Hereditary; Tumor predisposition; Hereditary Cancer Syndrome. Identifiers: Orphanet 140162, MedGen C0027672, MeSH D009386, MONDO:0015356.

Allele frequency attached by ClinVar (database versions not stated): gnomAD exomes below 0.00001 and 0.00001.
gnomAD v4.1: 15 of 1,608,176 alleles (0.00093%); highest among the groups gnomAD compares: Non-Finnish European, 0.0013%; no homozygotes.

Submissions (3):

Labcorp Genetics (formerly Invitae), Labcorp
Classification: Uncertain significance for DICER1-related tumor predisposition. Last evaluated: 2025-06-17. Review status: criteria provided, single submitter. Criteria: Invitae Variant Classification Sherloc (09022015). Collection method: clinical testing. Allele origin: germline.
Comment: This sequence change replaces cysteine, which is neutral and slightly polar, with phenylalanine, which is neutral and non-polar, at codon 1406 of the DICER1 protein (p.Cys1406Phe). This variant is present in population databases (no rsID available, gnomAD 0.001%). This variant has not been reported in the literature in individuals affected with DICER1-related conditions. ClinVar contains an entry for this variant (Variation ID: 485530). Invitae Evidence Modeling of protein sequence and biophysical properties (such as structural, functional, and spatial information, amino acid conservation, physicochemical variation, residue mobility, and thermodynamic stability) indicates that this missense variant is not expected to disrupt DICER1 protein function with a negative predictive value of 95%. In summary, the available evidence is currently insufficient to determine the role of this variant in disease. Therefore, it has been classified as a Variant of Uncertain Significance.

Ambry Genetics
Classification: Uncertain significance for Hereditary cancer-predisposing syndrome. Last evaluated: 2025-02-19. Review status: criteria provided, single submitter. Criteria: Ambry Variant Classification Scheme 2023. Collection method: clinical testing. Allele origin: germline.
Comment: The p.C1406F variant (also known as c.4217G>T), located in coding exon 22 of the DICER1 gene, results from a G to T substitution at nucleotide position 4217. The cysteine at codon 1406 is replaced by phenylalanine, an amino acid with highly dissimilar properties. This amino acid position is not well conserved in available vertebrate species. In addition, this alteration is predicted to be tolerated by in silico analysis. Since supporting evidence is limited at this time, the clinical significance of this alteration remains unclear.

GeneDx
Classification: Uncertain significance. Last evaluated: 2024-07-17. Review status: criteria provided, single submitter. Criteria: GeneDx Variant Classification Process June 2021. Collection method: clinical testing. Allele origin: germline. Affected: yes.
Comment: Not observed at significant frequency in large population cohorts (gnomAD); In silico analysis indicates that this missense variant does not alter protein structure/function; Has not been previously published as pathogenic or benign to our knowledge